The following is an entry in ClinVar:

NM_052988.5(CDK10):c.10C>G (p.Pro4Ala)

Genes: CDK10 (cyclin dependent kinase 10; plus strand), LINC02166 (long independently transcribed non-coding RNA 2166; minus strand). Cytogenetic location: 16q24.3.
Variant type: single nucleotide variant.
Coding change: c.10C>G on transcript NM_052988.5 (MANE Select); coding-DNA position 10, C replaced by G.
Protein change: p.Pro4Ala; replaces proline 4 with alanine.
Molecular consequence: missense variant. On other transcripts: non-coding transcript variant (6), 5 prime UTR variant (3).
Genome position (GRCh38, 1-based): chr16:89,686,720, C>G. VCF-style: chr16-89686720-C-G. GRCh37 (hg19) VCF-style: chr16-89753128-C-G.
Other names: c.-166C>G (NM_001098533.3, NM_001160367.2, NM_052987.4); short protein forms P4A.
Identifiers: ClinVar variation 2570957 (VCV002570957.27), dbSNP rs187319559, ClinGen allele CA8247616.

ClinVar aggregate classification (germline): Likely benign (1 of 4 stars; one submission).

Allele frequency attached by ClinVar (database versions not stated): 1000 Genomes Project 0.00180; 1000 Genomes Project 30x 0.00203; ESP Exome Variant Server 0.00353; TOPMed 0.00408; gnomAD 0.00435; ExAC 0.00644.
gnomAD v4.1: 8,552 of 1,603,842 alleles (0.53%); highest among the groups gnomAD compares: Non-Finnish European, 0.61%; 34 homozygotes.

Submission:

CeGaT Center for Human Genetics Tuebingen
Classification: Likely benign. Last evaluated: 2026-03-01. Review status: criteria provided, single submitter. Criteria: CeGaT Center For Human Genetics Tuebingen Variant Classification Criteria Version 2. Collection method: clinical testing. Allele origin: germline. Affected: yes. Observed: 31 variant alleles.
Comment: CDK10: BP4, BS2